The following is an entry in ClinVar:

ClinVar aggregate classification (germline): Benign/Likely benign. Review status: criteria provided, multiple submitters, no conflicts (2 of 4 stars). 4 submissions from 4 submitters: Benign (1); Likely benign (3). Last evaluated 2026-01-11.

Conditions:
Inborn genetic diseases. Identifiers: MedGen C0950123, MeSH D030342.

Allele frequency attached by ClinVar (database versions not stated): ExAC 0.00008; ESP Exome Variant Server 0.00008; gnomAD exomes 0.00010 and 0.00017; gnomAD 0.00014; TOPMed 0.00014.
gnomAD v4.1: 269 of 1,590,080 alleles (0.017%); highest among the groups gnomAD compares: Non-Finnish European, 0.021%; no homozygotes.

Submissions (4):

Labcorp Genetics (formerly Invitae), Labcorp
Classification: Benign. Last evaluated: 2026-01-11. Review status: criteria provided, single submitter. Criteria: Invitae Variant Classification Sherloc (09022015). Collection method: clinical testing. Allele origin: germline.

CeGaT Center for Human Genetics Tuebingen
Classification: Likely benign. Last evaluated: 2023-11-01. Review status: criteria provided, single submitter. Criteria: CeGaT Center For Human Genetics Tuebingen Variant Classification Criteria Version 2. Collection method: clinical testing. Allele origin: germline. Affected: yes. Observed: 3 variant alleles.
Comment: KAT6A: BP4

GeneDx
Classification: Likely benign. Last evaluated: 2019-09-18. Review status: criteria provided, single submitter. Criteria: GeneDx Variant Classification Process June 2021. Collection method: clinical testing. Allele origin: germline. Affected: yes.

Ambry Genetics
Classification: Likely benign for Inborn genetic diseases. Last evaluated: 2017-05-27. Review status: criteria provided, single submitter. Criteria: Ambry Variant Classification Scheme 2023. Collection method: clinical testing. Allele origin: germline.

NM_006766.5(KAT6A):c.603G>A (p.Pro201=)

Gene: KAT6A (lysine acetyltransferase 6A; minus strand). Cytogenetic location: 8p11.21.
Variant type: single nucleotide variant.
Coding change: c.603G>A on transcript NM_006766.5 (MANE Select); coding-DNA position 603, G replaced by A.
Protein change: p.Pro201=; no amino-acid change (proline 201 retained).
Molecular consequence: synonymous variant.
Genome position (GRCh38, 1-based): chr8:41,987,561, C>T on the plus strand (G>A on the coding strand, the complement: KAT6A is on the minus strand). VCF-style: chr8-41987561-C-T. GRCh37 (hg19) VCF-style: chr8-41845079-C-T.
Other names: c.603G>A, p.Pro201= (NM_001305878.2).
Identifiers: ClinVar variation 589173 (VCV000589173.49), dbSNP rs148925079, ClinGen allele CA4730379.